The following is an entry in ClinVar:

ClinVar aggregate classification (germline): Likely benign (0 of 4 stars; one submission).

Conditions:
ARSD-related disorder. Also called: ARSD-related condition.

Allele frequency attached by ClinVar (database versions not stated): gnomAD 0.00002; TOPMed 0.00003; ExAC 0.00613.
gnomAD v4.1: 29 of 1,207,174 alleles (0.0024%); highest among the groups gnomAD compares: South Asian, 0.018%; no homozygotes.

Submission:

PreventionGenetics, part of Exact Sciences
Classification: Likely benign for ARSD-related condition. Last evaluated: 2020-07-31. Review status: no assertion criteria provided. Collection method: clinical testing. Allele origin: germline.
Comment: This variant is classified as likely benign based on ACMG/AMP sequence variant interpretation guidelines (Richards et al. 2015 PMID: 25741868, with internal and published modifications).

NM_001669.4(ARSD):c.661G>A (p.Gly221Ser)

Gene: ARSD (arylsulfatase D; minus strand). Cytogenetic location: Xp22.33.
Variant type: single nucleotide variant.
Coding change: c.661G>A on transcript NM_001669.4 (MANE Select); coding-DNA position 661, G replaced by A.
Protein change: p.Gly221Ser; replaces glycine 221 with serine.
Molecular consequence: missense variant.
Genome position (GRCh38, 1-based): chrX:2,918,006, C>T on the plus strand (G>A on the coding strand, the complement: ARSD is on the minus strand). VCF-style: chrX-2918006-C-T. GRCh37 (hg19) VCF-style: chrX-2836047-C-T.
Other names: c.661G>A, p.Gly221Ser (NM_009589.5); short protein forms G221S.
Identifiers: ClinVar variation 3059319 (VCV003059319.2), dbSNP rs67359049, ClinGen allele CA10337743.